The following is an entry in ClinVar:

ClinVar aggregate classification (germline): Uncertain significance (1 of 4 stars; one submission).

Conditions:
Joubert syndrome 14 (JBTS14). Identifiers: MedGen C3280766, MONDO:0013745, OMIM 614424.

Allele frequency attached by ClinVar (database versions not stated): gnomAD exomes below 0.00001; TOPMed below 0.00001.
gnomAD v4.1: 1 of 1,595,380 alleles (0.000063%); highest among the groups gnomAD compares: Non-Finnish European, 0.000085%; no homozygotes.

Submission:

Labcorp Genetics (formerly Invitae), Labcorp
Classification: Uncertain significance for Joubert syndrome 14. Last evaluated: 2022-01-07. Review status: criteria provided, single submitter. Criteria: Invitae Variant Classification Sherloc (09022015). Collection method: clinical testing. Allele origin: germline.
Comment: Algorithms developed to predict the effect of missense changes on protein structure and function output the following: SIFT: "Tolerated"; PolyPhen-2: "Benign"; Align-GVGD: "Class C0". The threonine amino acid residue is found in multiple mammalian species, which suggests that this missense change does not adversely affect protein function. In summary, the available evidence is currently insufficient to determine the role of this variant in disease. Therefore, it has been classified as a Variant of Uncertain Significance. This variant has not been reported in the literature in individuals affected with TMEM237-related conditions. The frequency data for this variant in the population databases is considered unreliable, as metrics indicate poor data quality at this position in the gnomAD database. This sequence change replaces alanine, which is neutral and non-polar, with threonine, which is neutral and polar, at codon 116 of the TMEM237 protein (p.Ala116Thr).

NM_001044385.3(TMEM237):c.346G>A (p.Ala116Thr)

Gene: TMEM237 (transmembrane protein 237; minus strand). Cytogenetic location: 2q33.1.
Variant type: single nucleotide variant.
Coding change: c.346G>A on transcript NM_001044385.3 (MANE Select); coding-DNA position 346, G replaced by A.
Protein change: p.Ala116Thr; replaces alanine 116 with threonine.
Molecular consequence: missense variant.
Genome position (GRCh38, 1-based): chr2:201,633,360, C>T on the plus strand (G>A on the coding strand, the complement: TMEM237 is on the minus strand). VCF-style: chr2-201633360-C-T. GRCh37 (hg19) VCF-style: chr2-202498083-C-T.
Other names: c.322G>A, p.Ala108Thr (NM_152388.4); short protein forms A116T, A108T.
Identifiers: ClinVar variation 1930721 (VCV001930721.5), dbSNP rs1339325702, ClinGen allele CA350314018.
Genomic context (GRCh38, chr2:201,633,360, plus strand): 5'-TAAATTCCTACTTTGTCTTCCTCCGAGGTTTTTGAATAACTGCCTCCTCAGCTGGCTCCG[C>T]ATCAATACCATTTTCATTTCGTAATAAAGATGAACTAGATGACTTCTTTTGGGTGGAGGA-3'
Protein context (NP_001037850.1, residues 106-126): SLLRNENGID[Ala116Thr]EPAEEAVIQK